The following is an entry in ClinVar:

NM_000256.3(MYBPC3):c.1814A>G (p.Asp605Gly)

Gene: MYBPC3 (myosin binding protein C3; minus strand). Cytogenetic location: 11p11.2.
Variant type: single nucleotide variant.
Coding change: c.1814A>G on transcript NM_000256.3 (MANE Select); coding-DNA position 1814, A replaced by G.
Protein change: p.Asp605Gly; replaces aspartic acid 605 with glycine.
Molecular consequence: missense variant.
Genome position (GRCh38, 1-based): chr11:47,341,221, T>C on the plus strand (A>G on the coding strand, the complement: MYBPC3 is on the minus strand). VCF-style: chr11-47341221-T-C. GRCh37 (hg19) VCF-style: chr11-47362772-T-C.
Other names: short protein forms D605G.
Identifiers: ClinVar variation 42573 (VCV000042573.25), dbSNP rs372371774, ClinGen allele CA011239.

ClinVar aggregate classification (germline): Conflicting classifications of pathogenicity. Review status: criteria provided, conflicting classifications (1 of 4 stars). 9 submissions from 9 submitters: Uncertain significance (8); Likely benign (1). Last evaluated 2025-09-22.

Conditions:
Cardiovascular phenotype. Identifiers: MedGen CN230736.
Cardiomyopathy (CMYO). Also called: Cardiomyopathies. Identifiers: Orphanet 167848, MedGen C0878544, MONDO:0004994, HP:0001638. Inheritance: Various modes of inheritance.
Hypertrophic cardiomyopathy 4. Also called: Familial hypertrophic cardiomyopathy 4. Identifiers: MedGen C1861862, MONDO:0007268, OMIM 115197.
Hypertrophic cardiomyopathy. Also called: HYPERTROPHIC MYOCARDIOPATHY. Identifiers: Orphanet 217569, MedGen C0007194, MeSH D002312, MONDO:0005045, HP:0001639.

Allele frequency attached by ClinVar (database versions not stated): gnomAD 0.00002; TOPMed 0.00002; gnomAD exomes 0.00004 and 0.00006; ESP Exome Variant Server 0.00008; ExAC 0.00015.
gnomAD v4.1: 53 of 1,593,244 alleles (0.0033%); highest among the groups gnomAD compares: Non-Finnish European, 0.0045%; no homozygotes.

Submissions (9):

Labcorp Genetics (formerly Invitae), Labcorp
Classification: Uncertain significance for Hypertrophic cardiomyopathy. Last evaluated: 2025-09-22. Review status: criteria provided, single submitter. Criteria: Invitae Variant Classification Sherloc (09022015). Collection method: clinical testing. Allele origin: germline.
Comment: This sequence change replaces aspartic acid, which is acidic and polar, with glycine, which is neutral and non-polar, at codon 605 of the MYBPC3 protein (p.Asp605Gly). This variant is present in population databases (rs372371774, gnomAD 0.01%). This missense change has been observed in individual(s) with hypertrophic cardiomyopathy and/or MYBPC3-related conditions (PMID: 20215591, 25611685, 33782553, 37652022). ClinVar contains an entry for this variant (Variation ID: 42573). An algorithm developed to predict the effect of missense changes on protein structure and function (PolyPhen-2) suggests that this variant is likely to be tolerated. In summary, the available evidence is currently insufficient to determine the role of this variant in disease. Therefore, it has been classified as a Variant of Uncertain Significance.

Blueprint Genetics
Classification: Likely benign. Last evaluated: 2024-11-25. Review status: criteria provided, single submitter. Criteria: ACMG Guidelines, 2015. Collection method: clinical testing. Allele origin: germline.

All of Us Research Program, National Institutes of Health
Classification: Uncertain significance for Hypertrophic cardiomyopathy. Last evaluated: 2024-09-23. Review status: criteria provided, single submitter. Criteria: ACMG Guidelines, 2015. Collection method: clinical testing. Allele origin: germline. Inheritance: Autosomal dominant inheritance. Observed: 13 variant alleles, 13 heterozygotes.
Comment: This missense variant replaces aspartic acid with glycine at codon 605 of the MYBPC3 protein. Computational prediction suggests that this variant may not impact protein structure and function (internally defined REVEL score threshold <= 0.5, PMID: 27666373). To our knowledge, functional studies have not been reported for this variant. This variant has been reported in two individuals affected with dilated cardiomyopathy (PMID: 20215591, 22337857), in one individual affected with hypertrophic cardiomyopathy (PMID: 25611685), and in one individual suspected of having drug-induced arrhythmia and sudden unexplained death (PMID: 31376648). This variant has been identified in 12/212592 chromosomes in the general population by the Genome Aggregation Database (gnomAD). The available evidence is insufficient to determine the role of this variant in disease conclusively. Therefore, this variant is classified as a Variant of Uncertain Significance.

This study involves interpretation of variants in research participants for the purpose of population health screening. Participant phenotype was not available at the time of variant classification. Additional details can be found in publication PMID: 35346344, PMCID: PMC8962531

Color Diagnostics, LLC DBA Color Health
Classification: Uncertain significance for Cardiomyopathy. Last evaluated: 2024-04-23. Review status: criteria provided, single submitter. Criteria: ACMG Guidelines, 2015. Collection method: clinical testing. Allele origin: germline.
Comment: This missense variant replaces aspartic acid with glycine at codon 605 of the MYBPC3 protein. Computational prediction tools indicate that this variant's impact on protein structure and function is inconclusive. To our knowledge, functional studies have not been reported for this variant. This variant has been reported in two individuals affected with dilated cardiomyopathy (PMID: 20215591, 22337857), in one individual affected with hypertrophic cardiomyopathy (PMID: 25611685), and in one individual suspected of having drug-induced arrhythmia and sudden unexplained death (PMID: 31376648). This variant has been identified in 12/212592 chromosomes in the general population by the Genome Aggregation Database (gnomAD). The available evidence is insufficient to determine the role of this variant in disease conclusively. Therefore, this variant is classified as a Variant of Uncertain Significance.

Clinical Genetics Laboratory, Skane University Hospital Lund
Classification: Uncertain significance. Last evaluated: 2022-05-27. Review status: criteria provided, single submitter. Criteria: ACMG Guidelines, 2015. Collection method: clinical testing. Allele origin: germline. Affected: yes.

Ambry Genetics
Classification: Uncertain significance for Cardiovascular phenotype. Last evaluated: 2022-02-17. Review status: criteria provided, single submitter. Criteria: Ambry Variant Classification Scheme 2023. Collection method: clinical testing. Allele origin: germline.

Agnes Ginges Centre for Molecular Cardiology, Centenary Institute
Classification: Uncertain significance for Hypertrophic cardiomyopathy 4. Last evaluated: 2018-06-12. Review status: criteria provided, single submitter. Criteria: ACMG Guidelines, 2015. Collection method: research. Allele origin: germline. Inheritance: Autosomal dominant inheritance. Affected: yes.
Comment: This variant has been identified as part of our research program. Refer to the 'condition' field for the phenotype of the proband(s) identified with this variant. For further information please feel free to contact us.

GeneDx
Classification: Uncertain significance. Last evaluated: 2018-04-27. Review status: criteria provided, single submitter. Criteria: GeneDx Variant Classification (06012015). Collection method: clinical testing. Allele origin: germline. Affected: yes.
Comment: The D605G variant in the MYBPC3 gene has been reported previously in one individual with dilatedcardiomyopathy (DCM), however information regarding familial segregation was not reported, and in vitro functional studies were not performed (Hershberger et al., 2010). Furthermore, D605G has been reported as variant of uncertain significance by two other clinical laboratories (ClinVar SCV000059088.4; SCV000207044.1; Landrum et al., 2015). The D605G variant was not observed with any significant frequency in approximately 6,200 individuals of European and African American ancestry in the NHLBI Exome Sequencing Project, indicating it is not a common benign variant in these populations. A variant in the same residue (D605N) has been reported in the Human Gene Mutation Database in association with cardiomyopathy, however D605N is classified as a variant of uncertain significance by GeneDx and by another clinical laboratory (Stenson et al., 2014; ClinVar SCV000059087.4; Landrum et al., 2015). D605G results in a non-conservative amino acid substitution at a position where amino acids with similar properties to Aspartic Acid are conserved across species. In silico analysis is inconsistent in its predictions as to whether or not the variant is damaging to the protein structure/function. In summary, D605G in the MYBPC3 gene is interpreted as a variant of uncertain significance.

Laboratory for Molecular Medicine, Mass General Brigham Personalized Medicine
Classification: Uncertain significance. Last evaluated: 2012-02-09. Review status: criteria provided, single submitter. Criteria: LMM Criteria. Collection method: clinical testing. Allele origin: germline. Observed: 1 variant allele.

Literature cited by the submitters: PubMed 20215591 (cited by 4 submitters); PubMed 25611685 (cited by 3 submitters); PubMed 33782553 (cited by Labcorp Genetics (formerly Invitae), Labcorp); PubMed 37652022 (cited by Labcorp Genetics (formerly Invitae), Labcorp); PubMed 22337857 (cited by All of Us Research Program, National Institutes of Health and Color Diagnostics, LLC DBA Color Health); PubMed 31376648 (cited by All of Us Research Program, National Institutes of Health and Color Diagnostics, LLC DBA Color Health); PubMed 22958901 (cited by Agnes Ginges Centre for Molecular Cardiology, Centenary Institute); PubMed 27532257 (cited by Agnes Ginges Centre for Molecular Cardiology, Centenary Institute).